The following is an entry in ClinVar:

NM_003476.5(CSRP3):c.223C>G (p.Gln75Glu)

Gene: CSRP3 (cysteine and glycine rich protein 3; minus strand). Cytogenetic location: 11p15.1.
Variant type: single nucleotide variant.
Coding change: c.223C>G on transcript NM_003476.5 (MANE Select); coding-DNA position 223, C replaced by G.
Protein change: p.Gln75Glu; replaces glutamine 75 with glutamic acid.
Molecular consequence: missense variant. On other transcripts: intron variant (1).
Genome position (GRCh38, 1-based): chr11:19,188,194, G>C on the plus strand (C>G on the coding strand, the complement: CSRP3 is on the minus strand). VCF-style: chr11-19188194-G-C. GRCh37 (hg19) VCF-style: chr11-19209741-G-C.
Other names: c.113-1846C>G (NM_001369404.1); short protein forms Q75E.
Identifiers: ClinVar variation 657408 (VCV000657408.8), dbSNP rs776862812, ClinGen allele CA379888229.

ClinVar aggregate classification (germline): Uncertain significance (1 of 4 stars; one submission).

Conditions:
Hypertrophic cardiomyopathy 12. Identifiers: MedGen C2677491, MONDO:0012804, OMIM 612124.
Dilated cardiomyopathy 1M (CMD1M). Identifiers: Orphanet 154, MedGen C1843808, MONDO:0011840, OMIM 607482.

Submission:

Labcorp Genetics (formerly Invitae), Labcorp
Classification: Uncertain significance for Hypertrophic cardiomyopathy 12; Dilated cardiomyopathy 1M. Last evaluated: 2018-10-30. Review status: criteria provided, single submitter. Criteria: Invitae Variant Classification Sherloc (09022015). Collection method: clinical testing. Allele origin: germline.
Comment: This sequence change replaces glutamine with glutamic acid at codon 75 of the CSRP3 protein (p.Gln75Glu). The glutamine residue is highly conserved and there is a small physicochemical difference between glutamine and glutamic acid. This variant is not present in population databases (ExAC no frequency). This variant has not been reported in the literature in individuals with CSRP3-related disease. Algorithms developed to predict the effect of missense changes on protein structure and function (SIFT, PolyPhen-2, Align-GVGD) all suggest that this variant is likely to be tolerated, but these predictions have not been confirmed by published functional studies and their clinical significance is uncertain. In summary, the available evidence is currently insufficient to determine the role of this variant in disease. Therefore, it has been classified as a Variant of Uncertain Significance.